The following is an entry in ClinVar:

ClinVar aggregate classification (germline): Pathogenic (1 of 4 stars; one submission).

Conditions:
Early-infantile DEE. Also called: Ohtahara syndrome; Early infantile epileptic encephalopathy; Early infantile epileptic encephalopathy with suppression bursts. Identifiers: Orphanet 1934, MedGen C0393706, MONDO:0800491.

Submission:

Labcorp Genetics (formerly Invitae), Labcorp
Classification: Pathogenic for Early-infantile DEE. Last evaluated: 2024-07-16. Review status: criteria provided, single submitter. Criteria: Invitae Variant Classification Sherloc (09022015). Collection method: clinical testing. Allele origin: germline.
Comment: This sequence change creates a premature translational stop signal (p.Lys1900*) in the SCN1A gene. While this is not anticipated to result in nonsense mediated decay, it is expected to disrupt the last 110 amino acid(s) of the SCN1A protein. This variant is not present in population databases (gnomAD no frequency). This variant has not been reported in the literature in individuals affected with SCN1A-related conditions. This variant disrupts a region of the SCN1A protein in which other variant(s) (p.Arg1924Leufs*8) have been determined to be pathogenic (PMID: 27465585). This suggests that this is a clinically significant region of the protein, and that variants that disrupt it are likely to be disease-causing. For these reasons, this variant has been classified as Pathogenic.

Literature cited by the submitters: PubMed 27465585.

NM_001165963.4(SCN1A):c.5698A>T (p.Lys1900Ter)

Genes: SCN1A (sodium voltage-gated channel alpha subunit 1; minus strand), LOC102724058 (uncharacterized LOC102724058; plus strand). Cytogenetic location: 2q24.3.
Variant type: single nucleotide variant.
Coding change: c.5698A>T on transcript NM_001165963.4 (MANE Select); coding-DNA position 5698, A replaced by T.
Protein change: p.Lys1900Ter; replaces lysine 1900 with a stop codon.
Molecular consequence: nonsense. On other transcripts: non-coding transcript variant (1).
Genome position (GRCh38, 1-based): chr2:165,991,577, T>A on the plus strand (A>T on the coding strand, the complement: SCN1A is on the minus strand). VCF-style: chr2-165991577-T-A. GRCh37 (hg19) VCF-style: chr2-166848087-T-A.
Other names: c.5662A>T, p.Lys1888Ter (NM_001353955.2, NM_001353954.2); c.5614A>T, p.Lys1872Ter (NM_001353957.2, NM_001353958.2, NM_001165964.3); c.5611A>T, p.Lys1871Ter (NM_001353960.2); c.3256A>T, p.Lys1086Ter (NM_001353961.2); c.5665A>T, p.Lys1889Ter (NM_006920.6, NM_001353949.2, NM_001353950.2 and 2 more transcripts); c.5698A>T, p.Lys1900Ter (NM_001202435.3, NM_001353948.2); short protein forms K1888*, K1900*, K1086*, K1889*, K1871*, K1872*.
Identifiers: ClinVar variation 3659221 (VCV003659221.2).
Genomic context (GRCh38, chr2:165,991,577, plus strand): 5'-CAGCAGATACTTCCTCTTGTTTTCGTTTTAAAGTAGTAGTGATTGGCTGATAGGAGACCT[T>A]GGAAGGATTGGAAGCCATGAATCGCTCTTCCATCTGTATTCGTAGAGCATCCATCTCTCC-3'